The following is an entry in ClinVar:

ClinVar aggregate classification (germline): Uncertain significance. Review status: criteria provided, multiple submitters, no conflicts (2 of 4 stars). 2 submissions from 2 submitters: Uncertain significance (2). Last evaluated 2023-12-08.

Conditions:
Hereditary cancer-predisposing syndrome. Also called: Neoplastic Syndromes, Hereditary; Tumor predisposition; Hereditary neoplastic syndrome; Hereditary Cancer Syndrome. Identifiers: Orphanet 140162, MedGen C0027672, MeSH D009386, MONDO:0015356.
Retinoblastoma (RB1). Also called: RETINOBLASTOMA, SOMATIC. Identifiers: Orphanet 790, MedGen C0035335, MeSH D012175, MONDO:0008380, OMIM 180200, HP:0009919. Disease mechanism: loss of function. Inheritance: Both sporadic and heritable forms are tested..

Submissions (2):

Ambry Genetics
Classification: Uncertain significance for Hereditary cancer-predisposing syndrome. Last evaluated: 2023-12-08. Review status: criteria provided, single submitter. Criteria: Ambry Variant Classification Scheme 2023. Collection method: clinical testing. Allele origin: germline.
Comment: The p.H673R variant (also known as c.2018A>G), located in coding exon 20 of the RB1 gene, results from an A to G substitution at nucleotide position 2018. The histidine at codon 673 is replaced by arginine, an amino acid with highly similar properties. This amino acid position is conserved. In addition, this alteration is predicted to be deleterious by in silico analysis. Since supporting evidence is limited at this time, the clinical significance of this alteration remains unclear.

All of Us Research Program, National Institutes of Health
Classification: Uncertain significance for Retinoblastoma. Last evaluated: 2023-06-26. Review status: criteria provided, single submitter. Criteria: ACMG Guidelines, 2015. Collection method: clinical testing. Allele origin: germline. Inheritance: Autosomal dominant inheritance. Observed: 2 variant alleles, 2 heterozygotes.
Comment: This missense variant replaces histidine with arginine at codon 673 of the RB1 protein. Computational prediction suggests that this variant may have deleterious impact on protein structure and function (internally defined REVEL score threshold >= 0.7, PMID: 27666373). To our knowledge, functional studies have not been reported for this variant. This variant has not been reported in individuals affected with RB1-related disorders in the literature. This variant has not been identified in the general population by the Genome Aggregation Database (gnomAD). The available evidence is insufficient to determine the role of this variant in disease conclusively. Therefore, this variant is classified as a Variant of Uncertain Significance.

This study involves interpretation of variants in research participants for the purpose of population health screening. Participant phenotype was not available at the time of variant classification. Additional details can be found in publication PMID: 35346344, PMCID: PMC8962531

NM_000321.3(RB1):c.2018A>G (p.His673Arg)

Gene: RB1 (RB transcriptional corepressor 1; plus strand). Cytogenetic location: 13q14.2.
Variant type: single nucleotide variant.
Coding change: c.2018A>G on transcript NM_000321.3 (MANE Select); coding-DNA position 2018, A replaced by G.
Protein change: p.His673Arg; replaces histidine 673 with arginine.
Molecular consequence: missense variant.
Genome position (GRCh38, 1-based): chr13:48,459,745, A>G. VCF-style: chr13-48459745-A-G. GRCh37 (hg19) VCF-style: chr13-49033881-A-G.
Other names: c.2018A>G, p.His673Arg (NM_001407165.1); short protein forms H673R.
Identifiers: ClinVar variation 3075647 (VCV003075647.2), dbSNP rs2138336107, ClinGen allele CA388166773.